The following is an entry in ClinVar:

ClinVar aggregate classification (germline): Likely benign. Review status: criteria provided, multiple submitters, no conflicts (2 of 4 stars). 4 submissions from 4 submitters: Likely benign (4). Last evaluated 2026-03-23.

Conditions:
FANCG-related disorder. Also called: FANCG-related condition.
Inborn genetic diseases. Identifiers: MedGen C0950123, MeSH D030342.
Fanconi anemia (FA). Also called: Fanconi's anemia. Identifiers: Orphanet 84, MedGen C0015625, MeSH D005199, MONDO:0019391.
Fanconi anemia complementation group G. Also called: Fanconi anemia group G; FANCG-Related Fanconi Anemia. Identifiers: Orphanet 84, MedGen C3469527, MONDO:0013565, OMIM 614082.

Allele frequency attached by ClinVar (database versions not stated): TOPMed 0.00002.

Submissions (4):

PreventionGenetics, part of Exact Sciences
Classification: Likely benign for FANCG-related condition. Last evaluated: 2026-03-23. Review status: criteria provided, single submitter. Criteria: ACMG Guidelines, 2015. Collection method: clinical testing. Allele origin: germline.
Comment: This variant is classified as likely benign based on ACMG/AMP sequence variant interpretation guidelines (Richards et al. 2015 PMID: 25741868, with internal and published modifications).

Ambry Genetics
Classification: Likely benign for Inborn genetic diseases. Last evaluated: 2024-11-28. Review status: criteria provided, single submitter. Criteria: Ambry Variant Classification Scheme 2023. Collection method: clinical testing. Allele origin: germline.

Labcorp Genetics (formerly Invitae), Labcorp
Classification: Likely benign for Fanconi anemia. Last evaluated: 2023-09-30. Review status: criteria provided, single submitter. Criteria: Invitae Variant Classification Sherloc (09022015). Collection method: clinical testing. Allele origin: germline.

Fulgent Genetics
Classification: Likely benign for Fanconi anemia complementation group G. Last evaluated: 2022-05-03. Review status: criteria provided, single submitter. Criteria: ACMG Guidelines, 2015. Collection method: clinical testing. Allele origin: unknown.

NM_004629.2(FANCG):c.81C>T (p.Ala27=)

Gene: FANCG (FA complementation group G; minus strand). Cytogenetic location: 9p13.3.
Variant type: single nucleotide variant.
Coding change: c.81C>T on transcript NM_004629.2 (MANE Select); coding-DNA position 81, C replaced by T.
Protein change: p.Ala27=; no amino-acid change (alanine 27 retained).
Molecular consequence: synonymous variant.
Genome position (GRCh38, 1-based): chr9:35,079,444, G>A on the plus strand (C>T on the coding strand, the complement: FANCG is on the minus strand). VCF-style: chr9-35079444-G-A. GRCh37 (hg19) VCF-style: chr9-35079441-G-A.
Identifiers: ClinVar variation 414812 (VCV000414812.14), dbSNP rs1060504372, ClinGen allele CA16612886.
Genomic context (GRCh38, chr9:35,079,444, plus strand): 5'-AAACCCGCTTTCAGGGATCTTGAGGCTGCAAACCGAGGGTGCCAGCAACCGTGTTACCTT[G>A]GCCTGTCGAACGAGCCGGTCATTCTTTTCCCTCCACAGGTCCAGGCAGCTGGAGCCCACA-3'
Protein context (NP_004620.1, residues 17-37): REKNDRLVRQ[Ala27=]KVAQNSGLTL